The following is an entry in ClinVar:

ClinVar aggregate classification (germline): Likely benign (1 of 4 stars; one submission).

Allele frequency attached by ClinVar (database versions not stated): gnomAD exomes 0.00001; ExAC 0.00002; gnomAD 0.00002 and 0.00003; TOPMed 0.00002.
gnomAD v4.1: 19 of 1,614,076 alleles (0.0012%); highest among the groups gnomAD compares: African/African-American, 0.0027%; no homozygotes.

Submission:

GeneDx
Classification: Likely benign. Last evaluated: 2016-09-06. Review status: criteria provided, single submitter. Criteria: GeneDx Variant Classification (06012015). Collection method: clinical testing. Allele origin: germline. Affected: yes.
Comment: This variant is considered likely benign or benign based on one or more of the following criteria: it is a conservative change, it occurs at a poorly conserved position in the protein, it is predicted to be benign by multiple in silico algorithms, and/or has population frequency not consistent with disease.

NM_182961.4(SYNE1):c.9651+11C>T

Gene: SYNE1 (spectrin repeat containing nuclear envelope protein 1; minus strand). Cytogenetic location: 6q25.2.
Variant type: single nucleotide variant.
Coding change: c.9651+11C>T on transcript NM_182961.4 (MANE Select); 11 bases into the intron after coding-DNA position 9651, C replaced by T.
Molecular consequence: intron variant.
Genome position (GRCh38, 1-based): chr6:152,369,460, G>A on the plus strand (C>T on the coding strand, the complement: SYNE1 is on the minus strand). VCF-style: chr6-152369460-G-A. GRCh37 (hg19) VCF-style: chr6-152690595-G-A.
Other names: c.9672+11C>T (NM_033071.5).
Identifiers: ClinVar variation 389073 (VCV000389073.1), dbSNP rs762554940, ClinGen allele CA4057272.
Genomic context (GRCh38, chr6:152,369,460, plus strand): 5'-GCATCTGTAAGGTCGACAGAGGACGGACAAAGACTAGGTCAGATGGGGCTACGGGGAGGC[G>A]GGCTCATCACCTGGAGCTTCTGCTGCTCCCTCCTCTTTGCTGGCAGATCATAGAGGCGAT-3'